The following is an entry in ClinVar:

ClinVar aggregate classification (germline): Pathogenic. Review status: criteria provided, multiple submitters, no conflicts (2 of 4 stars). 6 submissions from 6 submitters: Pathogenic (5). 1 of the submissions does not count toward it. Last evaluated 2025-07-30.

Conditions:
Hereditary cancer-predisposing syndrome. Also called: Tumor predisposition; Hereditary Cancer Syndrome; Hereditary neoplastic syndrome; Neoplastic Syndromes, Hereditary. Identifiers: Orphanet 140162, MedGen C0027672, MeSH D009386, MONDO:0015356.
Familial cancer of breast. Also called: Hereditary breast cancer; BREAST CANCER, FAMILIAL; hereditary breast carcinoma. Identifiers: Orphanet 227535, MedGen C0346153, MONDO:0016419, OMIM 114480. Disease mechanism: loss of function.
Ataxia-telangiectasia syndrome (AT). Also called: ATAXIA-TELANGIECTASIA, COMPLEMENTATION GROUP A; ATAXIA-TELANGIECTASIA, FRESNO VARIANT; Ataxia-telangiectasia; Ataxia telangiectasia (A-T); Cerebello-oculocutaneous telangiectasia; Immunodeficiency with ataxia telangiectasia. Identifiers: Orphanet 100, MedGen C0004135, MONDO:0008840, OMIM 208900.

Allele frequency attached by ClinVar (database versions not stated): gnomAD exomes below 0.00001.

Submissions (6):

Labcorp Genetics (formerly Invitae), Labcorp
Classification: Pathogenic for Ataxia-telangiectasia syndrome. Last evaluated: 2025-07-30. Review status: criteria provided, single submitter. Criteria: Invitae Variant Classification Sherloc (09022015). Collection method: clinical testing. Allele origin: germline.
Comment: This sequence change creates a premature translational stop signal (p.Ile1294Asnfs*8) in the ATM gene. It is expected to result in an absent or disrupted protein product. Loss-of-function variants in ATM are known to be pathogenic (PMID: 23807571, 25614872). This variant is not present in population databases (gnomAD no frequency). This premature translational stop signal has been observed in individual(s) with ataxia telangiectasia (PMID: 21778326). This variant is also known as c.3880fs. ClinVar contains an entry for this variant (Variation ID: 370505). For these reasons, this variant has been classified as Pathogenic.

Ambry Genetics
Classification: Pathogenic for Hereditary cancer-predisposing syndrome. Last evaluated: 2024-08-13. Review status: criteria provided, single submitter. Criteria: Ambry Variant Classification Scheme 2023. Collection method: clinical testing. Allele origin: germline.
Comment: The c.3880dupA pathogenic mutation, located in coding exon 25 of the ATM gene, results from a duplication of A at nucleotide position 3880, causing a translational frameshift with a predicted alternate stop codon (p.I1294Nfs*8). This mutation (designated as c.3880insA) was reported in conjunction with another truncating ATM mutation in a patient with ataxia-telangiectasia. Cell lines derived from this individual demonstrated absence of ATM protein expression (Keimling M et al. FASEB J., 2011 Nov;25:3849-60). This variant is considered to be rare based on population cohorts in the Genome Aggregation Database (gnomAD). In addition to the clinical data presented in the literature, this alteration is expected to result in loss of function by premature protein truncation or nonsense-mediated mRNA decay. As such, this alteration is interpreted as a disease-causing mutation.

Myriad Genetics, Inc.
Classification: Pathogenic for Familial cancer of breast. Last evaluated: 2024-01-23. Review status: criteria provided, single submitter. Criteria: Myriad Autosomal Dominant, Autosomal Recessive and X-Linked Classification Criteria (2023). Collection method: clinical testing. Allele origin: unknown.
Comment: This variant is considered pathogenic. This variant creates a frameshift predicted to result in premature protein truncation.

Color Diagnostics, LLC DBA Color Health
Classification: Pathogenic for Hereditary cancer-predisposing syndrome. Last evaluated: 2023-03-06. Review status: criteria provided, single submitter. Criteria: ACMG Guidelines, 2015. Collection method: clinical testing. Allele origin: germline.
Comment: This variant inserts 1 nucleotide in exon 26 of the ATM gene, creating a frameshift and premature translation stop signal. This variant is expected to result in an absent or non-functional protein product. This variant has been reported in an individual affected with ataxia telangiectasia in compound heterozygous state with another truncating variant in the same gene (PMID: 21778326). This variant has not been identified in the general population by the Genome Aggregation Database (gnomAD). Loss of ATM function is a known mechanism of disease. Based on the available evidence, this variant is classified as Pathogenic.

GeneDx
Classification: Pathogenic. Last evaluated: 2022-06-20. Review status: criteria provided, single submitter. Criteria: GeneDx Variant Classification Process June 2021. Collection method: clinical testing. Allele origin: germline. Affected: yes.
Comment: Frameshift variant predicted to result in protein truncation or nonsense mediated decay in a gene for which loss of function is a known mechanism of disease; Not observed at significant frequency in large population cohorts (gnomAD); Observed in the apparent compound heterozygous state in individuals with ataxia-telangiectasia (Keimling 2011); This variant is associated with the following publications: (PMID: 21778326)

Counsyl
Classification: Likely pathogenic for Ataxia-telangiectasia syndrome. Last evaluated: 2016-02-23. Review status: no assertion criteria provided. Collection method: clinical testing. Allele origin: unknown. Not counted in ClinVar's aggregate classification.

Literature cited by the submitters: PubMed 23807571 (cited by Labcorp Genetics (formerly Invitae), Labcorp); PubMed 25614872 (cited by Labcorp Genetics (formerly Invitae), Labcorp); PubMed 21778326 (cited by 4 submitters).

NM_000051.4(ATM):c.3880dup (p.Ile1294fs)

Gene: ATM (ATM serine/threonine kinase; plus strand). Cytogenetic location: 11q22.3.
Variant type: Duplication.
Coding change: c.3880dup on transcript NM_000051.4 (MANE Select); coding-DNA position 3880, one base duplicated (A; older notation c.3880dupA).
Protein change: p.Ile1294fs; shifts the reading frame from isoleucine 1294.
Molecular consequence: frameshift variant.
Genome position (GRCh38, 1-based): chr11:108,284,360, A duplicated. VCF-style (leftmost placement, unchanged base first): chr11-108284359-T-TA. GRCh37 (hg19) VCF-style: chr11-108155086-T-TA.
Other names: c.3880dupA (NM_000051.3); c.3880dup, p.Ile1294fs (NM_001351834.2); short protein forms I1294fs.
Identifiers: ClinVar variation 370505 (VCV000370505.21), dbSNP rs1057516541, ClinGen allele CA16041405.